The following is an entry in ClinVar:

ClinVar aggregate classification (germline): Uncertain significance. Review status: criteria provided, multiple submitters, no conflicts (2 of 4 stars). 2 submissions from 2 submitters: Uncertain significance (2). Last evaluated 2024-10-25.

Allele frequency attached by ClinVar (database versions not stated): ExAC 0.00001; gnomAD exomes 0.00001.
gnomAD v4.1: 11 of 1,599,202 alleles (0.00069%); highest among the groups gnomAD compares: South Asian, 0.0011%; no homozygotes.

Submissions (2):

Labcorp Genetics (formerly Invitae), Labcorp
Classification: Uncertain significance. Last evaluated: 2024-10-25. Review status: criteria provided, single submitter. Criteria: Invitae Variant Classification Sherloc (09022015). Collection method: clinical testing. Allele origin: germline.
Comment: This sequence change replaces aspartic acid, which is acidic and polar, with valine, which is neutral and non-polar, at codon 264 of the ANLN protein (p.Asp264Val). This variant is present in population databases (rs762176310, gnomAD 0.003%). This variant has not been reported in the literature in individuals affected with ANLN-related conditions. ClinVar contains an entry for this variant (Variation ID: 1517476). Invitae Evidence Modeling of protein sequence and biophysical properties (such as structural, functional, and spatial information, amino acid conservation, physicochemical variation, residue mobility, and thermodynamic stability) indicates that this missense variant is not expected to disrupt ANLN protein function with a negative predictive value of 80%. In summary, the available evidence is currently insufficient to determine the role of this variant in disease. Therefore, it has been classified as a Variant of Uncertain Significance.

Ambry Genetics
Classification: Uncertain significance. Last evaluated: 2024-06-30. Review status: criteria provided, single submitter. Criteria: Ambry Variant Classification Scheme 2023. Collection method: clinical testing. Allele origin: germline.

NM_018685.5(ANLN):c.791A>T (p.Asp264Val)

Gene: ANLN (anillin, actin binding protein; plus strand). Cytogenetic location: 7p14.2.
Variant type: single nucleotide variant.
Coding change: c.791A>T on transcript NM_018685.5 (MANE Select); coding-DNA position 791, A replaced by T.
Protein change: p.Asp264Val; replaces aspartic acid 264 with valine.
Molecular consequence: missense variant.
Genome position (GRCh38, 1-based): chr7:36,406,484, A>T. VCF-style: chr7-36406484-A-T. GRCh37 (hg19) VCF-style: chr7-36446093-A-T.
Other names: c.791A>T, p.Asp264Val (NM_001284301.3, NM_001284302.3); c.791A>T (NM_018685.2); short protein forms D264V.
Identifiers: ClinVar variation 1517476 (VCV001517476.9), dbSNP rs762176310, ClinGen allele CA4219412.